The following is an entry in ClinVar:

NM_000278.5(PAX2):c.497-9C>G

Gene: PAX2 (paired box 2; plus strand). Cytogenetic location: 10q24.31.
Variant type: single nucleotide variant.
Coding change: c.497-9C>G on transcript NM_000278.5 (MANE Select); 9 bases into the intron before coding-DNA position 497, C replaced by G.
Molecular consequence: intron variant.
Genome position (GRCh38, 1-based): chr10:100,781,237, C>G. VCF-style: chr10-100781237-C-G. GRCh37 (hg19) VCF-style: chr10-102540994-C-G.
Other names: c.590-9C>G (NM_001304569.2); c.497-9C>G (NM_003987.5, NM_003990.5, NM_003988.5 and 1 more transcripts).
Identifiers: ClinVar variation 2923942 (VCV002923942.3), dbSNP rs1338169074, ClinGen allele CA595612711.

ClinVar aggregate classification (germline): Uncertain significance (1 of 4 stars; one submission).

Conditions:
Renal coloboma syndrome (PAPRS). Also called: PAPILLORENAL SYNDROME; COLOBOMA OF OPTIC NERVE WITH RENAL DISEASE; OPTIC COLOBOMA, VESICOURETERAL REFLUX, AND RENAL ANOMALIES; OPTIC NERVE COLOBOMA WITH RENAL DISEASE; RENAL-COLOBOMA SYNDROME WITH MACULAR ABNORMALITIES; PAPILLORENAL SYNDROME WITH MILD OCULAR ABNORMALITIES. Identifiers: Orphanet 1475, MedGen C1852759, MONDO:0007352, OMIM 120330.
Focal segmental glomerulosclerosis 7 (FSGS7). Identifiers: Orphanet 656, MedGen C4014925, MONDO:0014451, OMIM 616002.

Allele frequency attached by ClinVar (database versions not stated): gnomAD exomes below 0.00001; gnomAD 0.00001; TOPMed 0.00001.
gnomAD v4.1: 3 of 1,613,986 alleles (0.00019%); highest among the groups gnomAD compares: East Asian, 0.0067%; no homozygotes.

Submission:

Labcorp Genetics (formerly Invitae), Labcorp
Classification: Uncertain significance for Renal coloboma syndrome; Focal segmental glomerulosclerosis 7. Last evaluated: 2023-06-11. Review status: criteria provided, single submitter. Criteria: Invitae Variant Classification Sherloc (09022015). Collection method: clinical testing. Allele origin: germline.
Comment: This sequence change falls in intron 4 of the PAX2 gene. It does not directly change the encoded amino acid sequence of the PAX2 protein. This variant is present in population databases (no rsID available, gnomAD 0.006%). This variant has not been reported in the literature in individuals affected with PAX2-related conditions. Algorithms developed to predict the effect of sequence changes on RNA splicing suggest that this variant may create or strengthen a splice site. In summary, the available evidence is currently insufficient to determine the role of this variant in disease. Therefore, it has been classified as a Variant of Uncertain Significance.